The following is an entry in ClinVar:

NM_001206999.2(CIT):c.1801C>T (p.Arg601Trp)

Gene: CIT (citron rho-interacting serine/threonine kinase; minus strand). Cytogenetic location: 12q24.23.
Variant type: single nucleotide variant.
Coding change: c.1801C>T on transcript NM_001206999.2 (MANE Select); coding-DNA position 1801, C replaced by T.
Protein change: p.Arg601Trp; replaces arginine 601 with tryptophan.
Molecular consequence: missense variant.
Genome position (GRCh38, 1-based): chr12:119,776,707, G>A on the plus strand (C>T on the coding strand, the complement: CIT is on the minus strand). VCF-style: chr12-119776707-G-A. GRCh37 (hg19) VCF-style: chr12-120214511-G-A.
Other names: c.1801C>T, p.Arg601Trp (NM_007174.3); c.1801C>T (NM_001206999.1); short protein forms R601W.
Identifiers: ClinVar variation 2004871 (VCV002004871.5), dbSNP rs774424489, ClinGen allele CA6821986.

ClinVar aggregate classification (germline): Uncertain significance. Review status: criteria provided, multiple submitters, no conflicts (2 of 4 stars). 2 submissions from 2 submitters: Uncertain significance (2). Last evaluated 2023-10-10.

Conditions:
Inborn genetic diseases. Identifiers: MedGen C0950123, MeSH D030342.

Allele frequency attached by ClinVar (database versions not stated): gnomAD 0.00001.
gnomAD v4.1: 24 of 1,613,708 alleles (0.0015%); highest among the groups gnomAD compares: East Asian, 0.0089%; no homozygotes.

Submissions (2):

Ambry Genetics
Classification: Uncertain significance for Inborn genetic diseases. Last evaluated: 2023-10-10. Review status: criteria provided, single submitter. Criteria: Ambry Variant Classification Scheme 2023. Collection method: clinical testing. Allele origin: germline.

Labcorp Genetics (formerly Invitae), Labcorp
Classification: Uncertain significance. Last evaluated: 2022-07-23. Review status: criteria provided, single submitter. Criteria: Invitae Variant Classification Sherloc (09022015). Collection method: clinical testing. Allele origin: germline.
Comment: In summary, the available evidence is currently insufficient to determine the role of this variant in disease. Therefore, it has been classified as a Variant of Uncertain Significance. Algorithms developed to predict the effect of missense changes on protein structure and function are either unavailable or do not agree on the potential impact of this missense change (SIFT: "Deleterious"; PolyPhen-2: "Possibly Damaging"; Align-GVGD: "Class C0"). This variant has not been reported in the literature in individuals affected with CIT-related conditions. The frequency data for this variant in the population databases is considered unreliable, as metrics indicate poor data quality at this position in the gnomAD database. This sequence change replaces arginine, which is basic and polar, with tryptophan, which is neutral and slightly polar, at codon 601 of the CIT protein (p.Arg601Trp).